The following is an entry in ClinVar:

ClinVar aggregate classification (germline): Pathogenic (3 of 4 stars; one submission).

Conditions:
Breast-ovarian cancer, familial, susceptibility to, 1 (BROVCA1). Also called: BRCA1 Hereditary Breast and Ovarian Cancer; OVARIAN CANCER, SUSCEPTIBILITY TO. Identifiers: Orphanet 145, MedGen C2676676, MONDO:0011450, OMIM 604370. Disease mechanism: loss of function.

Submission:

Evidence-based Network for the Interpretation of Germline Mutant Alleles (ENIGMA)
Classification: Pathogenic for Breast-ovarian cancer, familial, susceptibility to, 1. Last evaluated: 2016-10-18. Review status: reviewed by expert panel. Criteria: ENIGMA BRCA1/2 Classification Criteria (2015). Collection method: curation. Allele origin: germline.
Comment: Variant allele predicted to encode a truncated non-functional protein.

NM_007294.4(BRCA1):c.40_41del (p.Val14fs)

Gene: BRCA1 (BRCA1 DNA repair associated; minus strand). Cytogenetic location: 17q21.31.
Variant type: Deletion.
Coding change: c.40_41del on transcript NM_007294.4 (MANE Select); coding-DNA positions 40 to 41, 2 bases deleted (GT; older notation c.40_41delGT).
Protein change: p.Val14fs; shifts the reading frame from valine 14.
Molecular consequence: frameshift variant. On other transcripts: 5 prime UTR variant (1), non-coding transcript variant (1).
Genome position (GRCh38, 1-based): chr17:43,124,056-43,124,057, AC deleted on the plus strand (GT on the coding strand, the reverse complement: BRCA1 is on the minus strand); deleting any 2 consecutive bases within chr17:43,124,056-43,124,058 gives the same sequence; the c. name uses the placement nearest the transcript's 3' end. VCF-style (leftmost placement, unchanged base first): chr17-43124055-GAC-G. GRCh37 (hg19) VCF-style: chr17-41276072-GAC-G.
Other names: 39delTG; c.-150_-149delTG (NM_001407571.1, NM_001407853.1, NM_001407879.1 and 46 more transcripts); c.39_40delTG, p.Val14Hisfs (NM_001407581.1, NM_001407582.1, NM_001407583.1 and 192 more transcripts); c.-219_-218delTG (NM_001407694.1, NM_001407724.1, NM_001407727.1 and 11 more transcripts); c.-223_-222delTG (NM_001407695.1, NM_001408465.1); c.-364_-363delTG (NM_001407696.1); c.-248_-247delTG (NM_001407697.1, NM_001407846.1, NM_001407920.1); c.-49_-48delTG (NM_001407698.1, NM_001407732.1, NM_001407736.1 and 22 more transcripts); and 11 more; short protein forms V14fs.
Identifiers: ClinVar variation 266428 (VCV000266428.4), dbSNP rs886040186, ClinGen allele CA10590046.